The following is an entry in ClinVar:

NM_002417.5(MKI67):c.5450G>C (p.Arg1817Thr)

Gene: MKI67 (marker of proliferation Ki-67; minus strand). Cytogenetic location: 10q26.2.
Variant type: single nucleotide variant.
Coding change: c.5450G>C on transcript NM_002417.5 (MANE Select); coding-DNA position 5450, G replaced by C.
Protein change: p.Arg1817Thr; replaces arginine 1817 with threonine.
Molecular consequence: missense variant.
Genome position (GRCh38, 1-based): chr10:128,106,390, C>G on the plus strand (G>C on the coding strand, the complement: MKI67 is on the minus strand). VCF-style: chr10-128106390-C-G. GRCh37 (hg19) VCF-style: chr10-129904654-C-G.
Other names: c.4370G>C, p.Arg1457Thr (NM_001145966.2); short protein forms R1457T, R1817T.
Identifiers: ClinVar variation 783033 (VCV000783033.26), dbSNP rs45438392, ClinGen allele CA5746627.
Genomic context (GRCh38, chr10:128,106,390, plus strand): 5'-TCTCTGAAGCCAGTCAGTTCTTCTAGAGCCTGGGCCTTTTCCTTACGAGTTTGTAGCCGT[C>G]TATTGCTGCCAGGTAAATTTCCTGGCTGGTCCAGTTTCTGCACTGGAGTTCCCAAAAACG-3'
Protein context (NP_002408.3, residues 1807-1827): DQPGNLPGSN[Arg1817Thr]RLQTRKEKAQ

ClinVar aggregate classification (germline): Benign. Review status: criteria provided, multiple submitters, no conflicts (2 of 4 stars). 3 submissions from 3 submitters: Benign (3). Last evaluated 2024-02-01.

Allele frequency attached by ClinVar (database versions not stated): 1000 Genomes Project 30x 0.00422; 1000 Genomes Project 0.00459; gnomAD 0.00726 and 0.00742; TOPMed 0.00747; gnomAD exomes 0.00759 and 0.01143; ExAC 0.00820; ESP Exome Variant Server 0.00976.
gnomAD v4.1: 17,714 of 1,613,886 alleles (1.1%); highest among the groups gnomAD compares: Non-Finnish European, 1.4%; 120 homozygotes.

Submissions (3):

CeGaT Center for Human Genetics Tuebingen
Classification: Benign. Last evaluated: 2024-02-01. Review status: criteria provided, single submitter. Criteria: CeGaT Center For Human Genetics Tuebingen Variant Classification Criteria Version 2. Collection method: clinical testing. Allele origin: germline. Affected: yes. Observed: 1 variant allele.
Comment: MKI67: BP4, BS1, BS2

Labcorp Genetics (formerly Invitae), Labcorp
Classification: Benign. Last evaluated: 2018-07-11. Review status: criteria provided, single submitter. Criteria: Invitae Variant Classification Sherloc (09022015). Collection method: clinical testing. Allele origin: germline.

Breakthrough Genomics
Classification: Benign. Review status: criteria provided, single submitter. Criteria: ACMG Guidelines, 2015. Collection method: not provided. Allele origin: germline. Inheritance: Unknown mechanism. Affected: yes.